The following is an entry in ClinVar:

ClinVar aggregate classification (germline): Benign. Review status: criteria provided, single submitter (1 of 4 stars). 2 submissions from 1 submitter: Benign (2). Last evaluated 2018-01-13.

Conditions:
Bardet-Biedl syndrome 8 (BBS8). Identifiers: Orphanet 110, MedGen C1859566, MONDO:0014436, OMIM 615985.
Retinitis pigmentosa (RP). Identifiers: Orphanet 791, MedGen C0035334, MeSH D012174, MONDO:0019200, OMIM 268000. Inheritance: Autosomal dominant, autosomal recessive and X linked inheritance.

Allele frequency attached by ClinVar (database versions not stated): gnomAD exomes 0.00256; gnomAD 0.03368 and 0.03638; 1000 Genomes Project 0.03514; TOPMed 0.03768; 1000 Genomes Project 30x 0.03795.
gnomAD v4.1: 5,068 of 152,662 alleles (3.3%); highest among the groups gnomAD compares: African/African-American, 12%; 293 homozygotes.

Submissions (2):

Illumina Laboratory Services, Illumina
Classification: Benign for Retinitis pigmentosa. Last evaluated: 2018-01-13. Review status: criteria provided, single submitter. Criteria: ICSL Variant Classification Criteria 13 December 2019. Collection method: clinical testing. Allele origin: germline.
Comment: This variant was observed in the ICSL laboratory as part of a predisposition screen in an ostensibly healthy population. It had not been previously curated by ICSL or reported in the Human Gene Mutation Database (HGMD: prior to June 1st, 2018), and was therefore a candidate for classification through an automated scoring system. Utilizing variant allele frequency, disease prevalence and penetrance estimates, and inheritance mode, an automated score was calculated to assess if this variant is too frequent to cause the disease. Based on the score and internal cut-off values, a variant classified as benign is not then subjected to further curation. The score for this variant resulted in a classification of benign for this disease.

Illumina Laboratory Services, Illumina
Classification: Benign for Bardet-Biedl syndrome 8. Last evaluated: 2018-01-13. Review status: criteria provided, single submitter. Criteria: ICSL Variant Classification Criteria 13 December 2019. Collection method: clinical testing. Allele origin: germline.
Comment: the same text as in the submission from Illumina Laboratory Services, Illumina above.

NM_144596.4(TTC8):c.*472A>C

Gene: TTC8 (tetratricopeptide repeat domain 8; plus strand). Cytogenetic location: 14q31.3.
Variant type: single nucleotide variant.
Coding change: c.*472A>C on transcript NM_144596.4 (MANE Select); 472 bases downstream of the stop codon, A replaced by C.
Molecular consequence: 3 prime UTR variant. On other transcripts: non-coding transcript variant (1).
Genome position (GRCh38, 1-based): chr14:88,877,882, A>C. VCF-style: chr14-88877882-A-C. GRCh37 (hg19) VCF-style: chr14-89344226-A-C.
Other names: c.*472A>C (NM_001288781.1, NM_001288782.1, NM_001288783.1 and 4 more transcripts).
Identifiers: ClinVar variation 314809 (VCV000314809.5), dbSNP rs59300815, ClinGen allele CA10645230.
Genomic context (GRCh38, chr14:88,877,882, plus strand): 5'-GGTGTGGTAGCATGTGCCTATAGTCCCAGCTACTTGGGAGGTGGAGGTGGGAGGATTATA[A>C]ATAGAGACTTTCCTTAAGACTTTAAAAATGTATTTAAAACTATTTTTTATTAAATACTTT-3'